The following is an entry in ClinVar:

NM_004947.5(DOCK3):c.960G>A (p.Ala320=)

Gene: DOCK3 (dedicator of cytokinesis 3; plus strand). Cytogenetic location: 3p21.2.
Variant type: single nucleotide variant.
Coding change: c.960G>A on transcript NM_004947.5 (MANE Select); coding-DNA position 960, G replaced by A.
Protein change: p.Ala320=; no amino-acid change (alanine 320 retained).
Molecular consequence: synonymous variant.
Genome position (GRCh38, 1-based): chr3:51,160,625, G>A. VCF-style: chr3-51160625-G-A. GRCh37 (hg19) VCF-style: chr3-51198056-G-A.
Other names: c.960G>A (NM_004947.4).
Identifiers: ClinVar variation 2653862 (VCV002653862.25), dbSNP rs556907316, ClinGen allele CA2420831.
Genomic context (GRCh38, chr3:51,160,625, plus strand): 5'-CCTGAACGACTCAAAGAAAGGTCCTCCTCACCTGCACTACAGGCGACCATATGGCTGTGC[G>A]GTCCTAAGCATCTTGGATGTCCTACAGTCACTCACAGAAGTAAAGGAAGAAAAGGATTTT-3'
Protein context (NP_004938.1, residues 310-330): HLHYRRPYGC[Ala320=]VLSILDVLQS

ClinVar aggregate classification (germline): Likely benign. Review status: criteria provided, single submitter (1 of 4 stars). 2 submissions from 2 submitters: Likely benign (1). 1 of the submissions does not count toward it. Last evaluated 2023-02-01.

Conditions:
DOCK3-related disorder. Also called: DOCK3-related condition.

Allele frequency attached by ClinVar (database versions not stated): gnomAD 0.00002; TOPMed 0.00003; gnomAD exomes 0.00004; ExAC 0.00008; 1000 Genomes Project 30x 0.00016; 1000 Genomes Project 0.00020.
gnomAD v4.1: 60 of 1,613,112 alleles (0.0037%); highest among the groups gnomAD compares: South Asian, 0.04%; 1 homozygote.

Submissions (2):

CeGaT Center for Human Genetics Tuebingen
Classification: Likely benign. Last evaluated: 2023-02-01. Review status: criteria provided, single submitter. Criteria: CeGaT Center For Human Genetics Tuebingen Variant Classification Criteria Version 2. Collection method: clinical testing. Allele origin: germline. Affected: yes. Observed: 1 variant allele.
Comment: DOCK3: BP4, BP7

PreventionGenetics, part of Exact Sciences
Classification: Likely benign for DOCK3-related condition. Last evaluated: 2019-04-08. Review status: no assertion criteria provided. Collection method: clinical testing. Allele origin: germline. Not counted in ClinVar's aggregate classification.
Comment: This variant is classified as likely benign based on ACMG/AMP sequence variant interpretation guidelines (Richards et al. 2015 PMID: 25741868, with internal and published modifications).